The following is an entry in ClinVar:

ClinVar aggregate classification (germline): Uncertain significance (1 of 4 stars; one submission).

Conditions:
Multiple acyl-CoA dehydrogenase deficiency (MADD). Also called: Glutaric aciduria, type 2; Glutaric acidemia type II; GA 2; ETHYLMALONIC-ADIPICACIDURIA; GA II; Glutaric Acidemia type 2. Identifiers: Orphanet 26791, MedGen C0268596, MONDO:0009282, OMIM 231680.

gnomAD v4.1: 58 of 1,612,310 alleles (0.0036%); highest among the groups gnomAD compares: East Asian, 0.016%; no homozygotes.

Submission:

Labcorp Genetics (formerly Invitae), Labcorp
Classification: Uncertain significance for Multiple acyl-CoA dehydrogenase deficiency. Last evaluated: 2025-01-31. Review status: criteria provided, single submitter. Criteria: Invitae Variant Classification Sherloc (09022015). Collection method: clinical testing. Allele origin: germline.
Comment: This sequence change replaces aspartic acid, which is acidic and polar, with asparagine, which is neutral and polar, at codon 167 of the ETFB protein (p.Asp167Asn). The frequency data for this variant in the population databases is considered unreliable, as metrics indicate poor data quality at this position in the gnomAD database. This variant has not been reported in the literature in individuals affected with ETFB-related conditions. ClinVar contains an entry for this variant (Variation ID: 1902829). Invitae Evidence Modeling of protein sequence and biophysical properties (such as structural, functional, and spatial information, amino acid conservation, physicochemical variation, residue mobility, and thermodynamic stability) indicates that this missense variant is expected to disrupt ETFB protein function with a positive predictive value of 95%. In summary, the available evidence is currently insufficient to determine the role of this variant in disease. Therefore, it has been classified as a Variant of Uncertain Significance.

NM_001985.3(ETFB):c.499G>A (p.Asp167Asn)

Gene: ETFB (electron transfer flavoprotein subunit beta; minus strand). Cytogenetic location: 19q13.41.
Variant type: single nucleotide variant.
Coding change: c.499G>A on transcript NM_001985.3 (MANE Select); coding-DNA position 499, G replaced by A.
Protein change: p.Asp167Asn; replaces aspartic acid 167 with asparagine.
Molecular consequence: missense variant.
Genome position (GRCh38, 1-based): chr19:51,346,998, C>T on the plus strand (G>A on the coding strand, the complement: ETFB is on the minus strand). VCF-style: chr19-51346998-C-T. GRCh37 (hg19) VCF-style: chr19-51850252-C-T.
Other names: c.772G>A, p.Asp258Asn (NM_001014763.1); short protein forms D258N, D167N.
Identifiers: ClinVar variation 1902829 (VCV001902829.3), dbSNP rs140614695, ClinGen allele CA9610730.